The following is an entry in ClinVar:

ClinVar aggregate classification (germline): Likely pathogenic (1 of 4 stars; one submission).

Conditions:
Immunodeficiency, common variable, 7. Identifiers: Orphanet 1572, Orphanet 696894, MedGen C3542922, MONDO:0013862, OMIM 614699.

Submission:

Labcorp Genetics (formerly Invitae), Labcorp
Classification: Likely pathogenic for Immunodeficiency, common variable, 7. Last evaluated: 2022-09-19. Review status: criteria provided, single submitter. Criteria: Invitae Variant Classification Sherloc (09022015). Collection method: clinical testing. Allele origin: germline.
Comment: ClinVar contains an entry for this variant (Variation ID: 1504896). In summary, the currently available evidence indicates that the variant is pathogenic, but additional data are needed to prove that conclusively. Therefore, this variant has been classified as Likely Pathogenic. Algorithms developed to predict the effect of sequence changes on RNA splicing suggest that this variant may disrupt the consensus splice site. This variant has not been reported in the literature in individuals affected with CR2-related conditions. This variant is not present in population databases (gnomAD no frequency). This sequence change affects a splice site in intron 18 of the CR2 gene. It is expected to disrupt RNA splicing. Variants that disrupt the donor or acceptor splice site typically lead to a loss of protein function (PMID: 16199547), and loss-of-function variants in CR2 are known to be pathogenic (PMID: 26325596, 28499783).

Literature cited by the submitters: PubMed 16199547; PubMed 26325596; PubMed 28499783.

NM_001006658.3(CR2):c.3188+2del

Gene: CR2 (complement C3d receptor 2; plus strand). Cytogenetic location: 1q32.2.
Variant type: Deletion.
Coding change: c.3188+2del on transcript NM_001006658.3 (MANE Select); the canonical splice donor site of the intron after coding-DNA position 3188, one base deleted (T; older notation c.3188+2delT).
Molecular consequence: splice donor variant.
Genome position (GRCh38, 1-based): chr1:207,480,055, T deleted. VCF-style (leftmost placement, unchanged base first): chr1-207480054-GT-G. GRCh37 (hg19) VCF-style: chr1-207653399-GT-G.
Other names: c.3011+2del (NM_001877.5).
Identifiers: ClinVar variation 1504896 (VCV001504896.8), dbSNP rs1658562210, ClinGen allele CA2483414570.
Genomic context (GRCh38, chr1:207,480,054, plus strand): 5'-GATACTTCTTACCTTCTTGATTGTCATTACCTTATACGTGATATCAAAACACAGAGCACG[GT>G]AAGTTCAAAGGCGAATACTTGATTGACCAACATGCACAAGTGGTTTCGGCTTCTTGTCTG-3'